The following is an entry in ClinVar:

ClinVar aggregate classification (germline): Pathogenic (1 of 4 stars; one submission).

Conditions:
Neurofibromatosis, type 1 (NF1). Also called: Peripheral type neurofibromatosis; VON RECKLINGHAUSEN DISEASE; NEUROFIBROMATOSIS, TYPE I, SOMATIC; Neurofibromatosis, type I. Identifiers: Orphanet 636, MedGen C0027831, MONDO:0018975, OMIM 162200. Disease mechanism: loss of function.

Submission:

Labcorp Genetics (formerly Invitae), Labcorp
Classification: Pathogenic for Neurofibromatosis, type 1. Last evaluated: 2024-05-28. Review status: criteria provided, single submitter. Criteria: Invitae Variant Classification Sherloc (09022015). Collection method: clinical testing. Allele origin: germline.
Comment: This sequence change creates a premature translational stop signal (p.Val2015Cysfs*24) in the NF1 gene. It is expected to result in an absent or disrupted protein product. Loss-of-function variants in NF1 are known to be pathogenic (PMID: 10712197, 23913538). This variant is not present in population databases (gnomAD no frequency). This variant has not been reported in the literature in individuals affected with NF1-related conditions. ClinVar contains an entry for this variant (Variation ID: 961848). For these reasons, this variant has been classified as Pathogenic.

Literature cited by the submitters: PubMed 10712197; PubMed 23913538.

NM_001042492.3(NF1):c.6105dup (p.Val2036fs)

Gene: NF1 (neurofibromin 1; plus strand). Cytogenetic location: 17q11.2.
Variant type: Duplication.
Coding change: c.6105dup on transcript NM_001042492.3 (MANE Select); coding-DNA position 6105, one base duplicated (T; older notation c.6105dupT).
Protein change: p.Val2036fs; shifts the reading frame from valine 2036.
Molecular consequence: frameshift variant.
Genome position (GRCh38, 1-based): chr17:31,336,431, T duplicated. VCF-style (leftmost placement, unchanged base first): chr17-31336430-C-CT. GRCh37 (hg19) VCF-style: chr17-29663448-C-CT.
Other names: c.6042dup, p.Val2015Cysfs (NM_000267.4); short protein forms V2036fs, V2015fs.
Identifiers: ClinVar variation 961848 (VCV000961848.6), dbSNP rs2069670885, ClinGen allele CA1139665401.